The following is an entry in ClinVar:

NM_000404.4(GLB1):c.718G>A (p.Val240Met)

Gene: GLB1 (galactosidase beta 1; minus strand). Cytogenetic location: 3p22.3.
Variant type: single nucleotide variant.
Coding change: c.718G>A on transcript NM_000404.4 (MANE Select); coding-DNA position 718, G replaced by A.
Protein change: p.Val240Met; replaces valine 240 with methionine.
Molecular consequence: missense variant. On other transcripts: intron variant (1).
Genome position (GRCh38, 1-based): chr3:33,058,104, C>T on the plus strand (G>A on the coding strand, the complement: GLB1 is on the minus strand). VCF-style: chr3-33058104-C-T. GRCh37 (hg19) VCF-style: chr3-33099596-C-T.
Other names: c.628G>A, p.Val210Met (NM_001079811.3); c.862G>A, p.Val288Met (NM_001317040.2); c.718G>A, p.Val240Met (NM_001393580.1); c.341-4555G>A (NM_001135602.3); short protein forms V210M, V240M, V288M.
Identifiers: ClinVar variation 3759083 (VCV003759083.2).
Genomic context (GRCh38, chr3:33,058,104, plus strand): 5'-AAAAGCTGATTTTAAGCTGCAATTTCTGTTACTACAAACACCAACCTGTTCCAAAGTCCA[C>T]CGTGGTGTAGAGGCCCTGCAGGGCCCCACATTTCAGGAATGTTTTATGTGCTCCATCAGT-3'
Protein context (NP_000395.3, residues 230-250): CGALQGLYTT[Val240Met]DFGTGSNITD

ClinVar aggregate classification (germline): Pathogenic (1 of 4 stars; one submission).

Conditions:
Mucopolysaccharidosis, MPS-IV-B (MPS4B). Also called: MORQUIO SYNDROME B; Mucopolysaccharidosis type IV B; Mucopolysaccharidosis Type IVB; Mucopolysaccharidosis type 4B; Mucopolysaccharidosis Type IVB (Morquio B Disease); Mucopolysaccharidosis type IVB (Morquio). Identifiers: Orphanet 309310, Orphanet 582, MedGen C0086652, MONDO:0009660, OMIM 253010.
GM1 gangliosidosis. Identifiers: Orphanet 354, MedGen C0085131, MONDO:0018149.

Submission:

Labcorp Genetics (formerly Invitae), Labcorp
Classification: Pathogenic for Mucopolysaccharidosis, MPS-IV-B; GM1 gangliosidosis. Last evaluated: 2024-02-25. Review status: criteria provided, single submitter. Criteria: Invitae Variant Classification Sherloc (09022015). Collection method: clinical testing. Allele origin: germline.
Comment: This sequence change replaces valine, which is neutral and non-polar, with methionine, which is neutral and non-polar, at codon 240 of the GLB1 protein (p.Val240Met). This variant is not present in population databases (gnomAD no frequency). This missense change has been observed in individual(s) with GM1 gangliosidosis (PMID: 10338095). This variant is also known as 768G>A. Advanced modeling of protein sequence and biophysical properties (such as structural, functional, and spatial information, amino acid conservation, physicochemical variation, residue mobility, and thermodynamic stability) performed at Invitae indicates that this missense variant is expected to disrupt GLB1 protein function with a positive predictive value of 95%. For these reasons, this variant has been classified as Pathogenic.

Literature cited by the submitters: PubMed 10338095.